The following is an entry in ClinVar:

ClinVar aggregate classification (germline): Uncertain significance. Review status: criteria provided, multiple submitters, no conflicts (2 of 4 stars). 4 submissions from 4 submitters: Uncertain significance (4). Last evaluated 2024-08-01.

Conditions:
Chuvash polycythemia. Also called: POLYCYTHEMIA, VHL-DEPENDENT. Identifiers: Orphanet 238557, MedGen C1837915, MONDO:0009892, OMIM 263400.
Hereditary cancer-predisposing syndrome. Also called: Hereditary Cancer Syndrome; Tumor predisposition; Hereditary neoplastic syndrome; Neoplastic Syndromes, Hereditary. Identifiers: Orphanet 140162, MedGen C0027672, MeSH D009386, MONDO:0015356.
Von Hippel-Lindau syndrome (VHLS). Also called: Von Hippel-Lindau; von Hippel–Lindau syndrome; VHL syndrome. Identifiers: Orphanet 892, MedGen C0019562, MONDO:0008667, OMIM 193300. Disease mechanism: loss of function.

Submissions (4):

Labcorp Genetics (formerly Invitae), Labcorp
Classification: Uncertain significance for Von Hippel-Lindau syndrome; Chuvash polycythemia. Last evaluated: 2024-08-01. Review status: criteria provided, single submitter. Criteria: Invitae Variant Classification Sherloc (09022015). Collection method: clinical testing. Allele origin: germline.
Comment: This sequence change replaces glutamic acid, which is acidic and polar, with aspartic acid, which is acidic and polar, at codon 17 of the VHL protein (p.Glu17Asp). This variant is not present in population databases (gnomAD no frequency). This variant has not been reported in the literature in individuals affected with VHL-related conditions. ClinVar contains an entry for this variant (Variation ID: 1052300). Advanced modeling of protein sequence and biophysical properties (such as structural, functional, and spatial information, amino acid conservation, physicochemical variation, residue mobility, and thermodynamic stability) performed at Invitae indicates that this missense variant is not expected to disrupt VHL protein function with a negative predictive value of 95%. In summary, the available evidence is currently insufficient to determine the role of this variant in disease. Therefore, it has been classified as a Variant of Uncertain Significance.

Baylor Genetics
Classification: Uncertain significance for Chuvash polycythemia. Last evaluated: 2024-02-19. Review status: criteria provided, single submitter. Criteria: ACMG Guidelines, 2015. Collection method: clinical testing. Allele origin: unknown.

Ambry Genetics
Classification: Uncertain significance for Hereditary cancer-predisposing syndrome. Last evaluated: 2022-09-08. Review status: criteria provided, single submitter. Criteria: Ambry Variant Classification Scheme 2023. Collection method: clinical testing. Allele origin: germline.
Comment: The p.E17D variant (also known as c.51G>T), located in coding exon 1 of the VHL gene, results from a G to T substitution at nucleotide position 51. The glutamic acid at codon 17 is replaced by aspartic acid, an amino acid with highly similar properties. This amino acid position is highly conserved in available vertebrate species. In addition, the in silico prediction for this alteration is inconclusive. Since supporting evidence is limited at this time, the clinical significance of this alteration remains unclear.

GeneDx
Classification: Uncertain significance. Last evaluated: 2019-04-26. Review status: criteria provided, single submitter. Criteria: GeneDx Variant Classification Process June 2021. Collection method: clinical testing. Allele origin: germline. Affected: yes.
Comment: Not observed in large population cohorts (Lek et al., 2016); Has not been previously published as pathogenic or benign to our knowledge

NM_000551.4(VHL):c.51G>T (p.Glu17Asp)

Gene: VHL (von Hippel-Lindau tumor suppressor; plus strand). Cytogenetic location: 3p25.3.
Variant type: single nucleotide variant.
Coding change: c.51G>T on transcript NM_000551.4 (MANE Select); coding-DNA position 51, G replaced by T.
Protein change: p.Glu17Asp; replaces glutamic acid 17 with aspartic acid.
Molecular consequence: missense variant.
Genome position (GRCh38, 1-based): chr3:10,141,898, G>T. VCF-style: chr3-10141898-G-T. GRCh37 (hg19) VCF-style: chr3-10183582-G-T.
Other names: c.51G>T, p.Glu17Asp (NM_001354723.2, NM_198156.3); short protein forms E17D.
Identifiers: ClinVar variation 1052300 (VCV001052300.11), dbSNP rs2125124538, ClinGen allele CA351747262.
Genomic context (GRCh38, chr3:10,141,898, plus strand): 5'-CGCGGAGGGAATGCCCCGGAGGGCGGAGAACTGGGACGAGGCCGAGGTAGGCGCGGAGGA[G>T]GCAGGCGTCGAAGAGTACGGCCCTGAAGAAGACGGCGGGGAGGAGTCGGGCGCCGAGGAG-3'
Protein context (NP_000542.1, residues 7-27): NWDEAEVGAE[Glu17Asp]AGVEEYGPEE